The following is an entry in ClinVar:

NM_001372044.2(SHANK3):c.2010C>G (p.Ile670Met)

Genes: SHANK3 (SH3 and multiple ankyrin repeat domains 3; plus strand), LOC126863188 (CDK7 strongly-dependent group 2 enhancer GRCh37_chr22:51142004-51143203; plus strand). Cytogenetic location: 22q13.33.
Variant type: single nucleotide variant.
Coding change: c.2010C>G on transcript NM_001372044.2 (MANE Select); coding-DNA position 2010, C replaced by G.
Protein change: p.Ile670Met; replaces isoleucine 670 with methionine.
Molecular consequence: missense variant.
Genome position (GRCh38, 1-based): chr22:50,704,751, C>G. VCF-style: chr22-50704751-C-G. GRCh37 (hg19) VCF-style: chr22-51143179-C-G.
Other names: c.1785C>G (NM_033517.1); short protein forms I670M.
Identifiers: ClinVar variation 3370207 (VCV003370207.1).

ClinVar aggregate classification (germline): Uncertain significance (1 of 4 stars; one submission).

Submission:

GeneDx
Classification: Uncertain significance. Last evaluated: 2023-12-29. Review status: criteria provided, single submitter. Criteria: GeneDx Variant Classification Process June 2021. Collection method: clinical testing. Allele origin: germline. Affected: yes.
Comment: Not observed at significant frequency in large population cohorts (gnomAD); Has not been previously published as pathogenic or benign to our knowledge; In-silico analysis is inconclusive as to whether the variant impacts protein structure/function. In the absence of functional studies, the actual effect of this sequence change is unknown